The following is an entry in ClinVar:

NM_016239.4(MYO15A):c.7685C>T (p.Ser2562Phe)

Gene: MYO15A (myosin XVA; plus strand). Cytogenetic location: 17p11.2.
Variant type: single nucleotide variant.
Coding change: c.7685C>T on transcript NM_016239.4 (MANE Select); coding-DNA position 7685, C replaced by T.
Protein change: p.Ser2562Phe; replaces serine 2562 with phenylalanine.
Molecular consequence: missense variant.
Genome position (GRCh38, 1-based): chr17:18,151,425, C>T. VCF-style: chr17-18151425-C-T. GRCh37 (hg19) VCF-style: chr17-18054739-C-T.
Other names: short protein forms S2562F.
Identifiers: ClinVar variation 228965 (VCV000228965.11), dbSNP rs876657904, ClinGen allele CA10577025.
Genomic context (GRCh38, chr17:18,151,425, plus strand): 5'-CCCTGTTCCCACCGCGCCCCTTGCCCACAGCTTCACCCTCCCCAGAGCTGGTCCGGTACT[C>T]TACGCTCAACTCTGAGCACTTCCCACAGCCCACACAGCAGATCAAGAATATTGTCAGGCA-3'
Protein context (NP_057323.3, residues 2552-2572): TSPSPELVRY[Ser2562Phe]TLNSEHFPQP

ClinVar aggregate classification (germline): Uncertain significance. Review status: criteria provided, multiple submitters, no conflicts (2 of 4 stars). 4 submissions from 4 submitters: Uncertain significance (4). Last evaluated 2026-02-12.

Conditions:
MYO15A-related disorder. Also called: MYO15A-related condition.
Inborn genetic diseases. Identifiers: MedGen C0950123, MeSH D030342.

Allele frequency attached by ClinVar (database versions not stated): gnomAD exomes below 0.00001 and 0.00001; gnomAD 0.00001; TOPMed 0.00001.
gnomAD v4.1: 8 of 1,614,080 alleles (0.0005%); highest among the groups gnomAD compares: Middle Eastern, 0.016%; no homozygotes.

Submissions (4):

PreventionGenetics, part of Exact Sciences
Classification: Uncertain significance for MYO15A-related condition. Last evaluated: 2026-02-12. Review status: criteria provided, single submitter. Criteria: ACMG Guidelines, 2015. Collection method: clinical testing. Allele origin: germline.
Comment: The MYO15A c.7685C>T variant is predicted to result in the amino acid substitution p.Ser2562Phe. To our knowledge, this variant has not been reported in the literature. This variant is reported in 0.0058% of alleles in individuals of Latino descent in gnomAD. At this time, the clinical significance of this variant is uncertain due to the absence of conclusive functional and genetic evidence.

Ambry Genetics
Classification: Uncertain significance for Inborn genetic diseases. Last evaluated: 2024-11-20. Review status: criteria provided, single submitter. Criteria: Ambry Variant Classification Scheme 2023. Collection method: clinical testing. Allele origin: germline.

Labcorp Genetics (formerly Invitae), Labcorp
Classification: Uncertain significance. Last evaluated: 2022-08-09. Review status: criteria provided, single submitter. Criteria: Invitae Variant Classification Sherloc (09022015). Collection method: clinical testing. Allele origin: germline.
Comment: This sequence change replaces serine, which is neutral and polar, with phenylalanine, which is neutral and non-polar, at codon 2562 of the MYO15A protein (p.Ser2562Phe). This variant is present in population databases (no rsID available, gnomAD 0.006%). This variant has not been reported in the literature in individuals affected with MYO15A-related conditions. ClinVar contains an entry for this variant (Variation ID: 228965). Advanced modeling of protein sequence and biophysical properties (such as structural, functional, and spatial information, amino acid conservation, physicochemical variation, residue mobility, and thermodynamic stability) performed at Invitae indicates that this missense variant is not expected to disrupt MYO15A protein function. In summary, the available evidence is currently insufficient to determine the role of this variant in disease. Therefore, it has been classified as a Variant of Uncertain Significance.

Laboratory for Molecular Medicine, Mass General Brigham Personalized Medicine
Classification: Uncertain significance. Last evaluated: 2015-06-16. Review status: criteria provided, single submitter. Criteria: LMM Criteria. Collection method: clinical testing. Allele origin: germline. Observed: 1 variant allele.
Comment: The p.Ser2562Phe variant in MYO15A has not been previously reported in individua ls with hearing loss and was absent from large population studies. Computational prediction tools and conservation analyses do not provide strong support for or against an impact to the protein. In summary, the clinical significance of the p.Ser2562Phe variant is uncertain.